The following is an entry in ClinVar:

ClinVar aggregate classification (germline): Pathogenic (1 of 4 stars; one submission).

Conditions:
Myoclonic dystonia 11 (DYT11). Also called: DYT-SGCE; Myoclonic dystonia; Dystonia 11; Dystonia, alcohol responsive; Hereditary essential myoclonus; SGCE Myoclonus-Dystonia. Identifiers: Orphanet 36899, MedGen C1834570, MONDO:0008044, OMIM 159900.

Submission:

Labcorp Genetics (formerly Invitae), Labcorp
Classification: Pathogenic for Myoclonic dystonia 11. Last evaluated: 2016-05-02. Review status: criteria provided, single submitter. Criteria: Invitae Variant Classification Sherloc (09022015). Collection method: clinical testing. Allele origin: germline.
Comment: For these reasons, this variant has been classified as Pathogenic. Gross deletions of SGCE are known to be pathogenic. ¬†A similar copy number change has been reported in an individual with myclonus dystonia (PMID: 19066193). This variant is a gross deletion of the genomic region encompassing exons 6-9 of the SGCE gene. This leads to an in-frame deletion, preserving the integrity of the reading frame.

Literature cited by the submitters: PubMed 19066193.

NC_000007.13:g.(?_94228081)_(94232770_?)del

Gene: SGCE (sarcoglycan epsilon; minus strand). Cytogenetic location: 7q21.3.
Variant type: Deletion.
Identifiers: ClinVar variation 1073072 (VCV001073072.7).